The following is an entry in ClinVar:

ClinVar aggregate classification (germline): Likely benign (0 of 4 stars; one submission).

Conditions:
BDNF-related disorder. Also called: BDNF-related condition.

gnomAD v4.1: 2 of 1,356,156 alleles (0.00015%); highest among the groups gnomAD compares: Non-Finnish European, 0.0002%; no homozygotes.

Submission:

PreventionGenetics, part of Exact Sciences
Classification: Likely benign for BDNF-related condition. Last evaluated: 2023-02-22. Review status: no assertion criteria provided. Collection method: clinical testing. Allele origin: germline.
Comment: This variant is classified as likely benign based on ACMG/AMP sequence variant interpretation guidelines (Richards et al. 2015 PMID: 25741868, with internal and published modifications).

NM_170731.5(BDNF):c.3+20367A>G

Gene: BDNF (brain derived neurotrophic factor; minus strand). Cytogenetic location: 11p14.1.
Variant type: single nucleotide variant.
Coding change: c.3+20367A>G on transcript NM_170731.5; 20367 bases into the intron after coding-DNA position 3, A replaced by G.
Molecular consequence: intron variant. On other transcripts: 5 prime UTR variant (4).
Genome position (GRCh38, 1-based): chr11:27,701,045, T>C on the plus strand (A>G on the coding strand, the complement: BDNF is on the minus strand). VCF-style: chr11-27701045-T-C. GRCh37 (hg19) VCF-style: chr11-27722592-T-C.
Other names: c.-86A>G (NM_001143808.2); c.-9A>G (NM_001143809.2); c.-133A>G (NM_001143810.2); c.-496A>G (NM_001143811.2); c.-22+19599A>G (NM_001143805.1); c.-22+19384A>G (NM_001143806.1); c.-22+19301A>G (NM_170732.4); c.-22+18466A>G (NM_001143807.2); and 1 more.
Identifiers: ClinVar variation 3356572 (VCV003356572.1).